The following is an entry in ClinVar:

NM_001735.3(C5):c.1997-4C>A

Gene: C5 (complement C5; minus strand). Cytogenetic location: 9q33.2.
Variant type: single nucleotide variant.
Coding change: c.1997-4C>A on transcript NM_001735.3 (MANE Select); 4 bases into the intron before coding-DNA position 1997, C replaced by A.
Molecular consequence: intron variant.
Genome position (GRCh38, 1-based): chr9:121,015,265, G>T on the plus strand (C>A on the coding strand, the complement: C5 is on the minus strand). VCF-style: chr9-121015265-G-T. GRCh37 (hg19) VCF-style: chr9-123777543-G-T.
Other names: c.1997-4C>A (NM_001735.2, NM_001317164.2); c.2015-4C>A (NM_001317163.2).
Identifiers: ClinVar variation 2155867 (VCV002155867.6), dbSNP rs780957683, ClinGen allele CA5217905.

ClinVar aggregate classification (germline): Likely benign. Review status: criteria provided, single submitter (1 of 4 stars). 2 submissions from 2 submitters: Likely benign (1). 1 of the submissions does not count toward it. Last evaluated 2024-04-30.

Conditions:
C5-related disorder. Also called: C5-related condition.

Allele frequency attached by ClinVar (database versions not stated): TOPMed 0.00002; gnomAD exomes 0.00003; ExAC 0.00006.
gnomAD v4.1: 47 of 1,592,240 alleles (0.003%); highest among the groups gnomAD compares: East Asian, 0.031%; no homozygotes.

Submissions (2):

Labcorp Genetics (formerly Invitae), Labcorp
Classification: Likely benign. Last evaluated: 2024-04-30. Review status: criteria provided, single submitter. Criteria: Invitae Variant Classification Sherloc (09022015). Collection method: clinical testing. Allele origin: germline.

PreventionGenetics, part of Exact Sciences
Classification: Likely benign for C5-related condition. Last evaluated: 2023-11-22. Review status: no assertion criteria provided. Collection method: clinical testing. Allele origin: germline. Not counted in ClinVar's aggregate classification.
Comment: This variant is classified as likely benign based on ACMG/AMP sequence variant interpretation guidelines (Richards et al. 2015 PMID: 25741868, with internal and published modifications).